The following is an entry in ClinVar:

NM_032634.4(PIGO):c.817G>A (p.Val273Ile)

Gene: PIGO (phosphatidylinositol glycan anchor biosynthesis class O; minus strand). Cytogenetic location: 9p13.3.
Variant type: single nucleotide variant.
Coding change: c.817G>A on transcript NM_032634.4 (MANE Select); coding-DNA position 817, G replaced by A.
Protein change: p.Val273Ile; replaces valine 273 with isoleucine.
Molecular consequence: missense variant.
Genome position (GRCh38, 1-based): chr9:35,093,543, C>T on the plus strand (G>A on the coding strand, the complement: PIGO is on the minus strand). VCF-style: chr9-35093543-C-T. GRCh37 (hg19) VCF-style: chr9-35093540-C-T.
Other names: c.817G>A, p.Val273Ile (NM_001201484.2, NM_152850.4); short protein forms V273I.
Identifiers: ClinVar variation 540450 (VCV000540450.8), dbSNP rs776286607, ClinGen allele CA5040817.

ClinVar aggregate classification (germline): Uncertain significance (1 of 4 stars; one submission).

Conditions:
Hyperphosphatasia with impaired intellectual development syndrome 2. Also called: Hyperphosphatasia with intellectual disability syndrome 2; GLYCOSYLPHOSPHATIDYLINOSITOL BIOSYNTHESIS DEFECT 6. Identifiers: Orphanet 247262, MedGen C3553637, MONDO:0013882, OMIM 614749.

Allele frequency attached by ClinVar (database versions not stated): ExAC 0.00002; gnomAD exomes 0.00001.
gnomAD v4.1: 18 of 1,613,940 alleles (0.0011%); highest among the groups gnomAD compares: Non-Finnish European, 0.0014%; no homozygotes.

Submission:

Labcorp Genetics (formerly Invitae), Labcorp
Classification: Uncertain significance for Hyperphosphatasia with impaired intellectual development syndrome 2. Last evaluated: 2021-08-28. Review status: criteria provided, single submitter. Criteria: Invitae Variant Classification Sherloc (09022015). Collection method: clinical testing. Allele origin: germline.
Comment: This sequence change replaces valine with isoleucine at codon 273 of the PIGO protein (p.Val273Ile). The valine residue is moderately conserved and there is a small physicochemical difference between valine and isoleucine. This variant is present in population databases (rs776286607, ExAC 0.006%). This variant has not been reported in the literature in individuals affected with PIGO-related conditions. Algorithms developed to predict the effect of missense changes on protein structure and function are either unavailable or do not agree on the potential impact of this missense change (SIFT: "Tolerated"; PolyPhen-2: "Possibly Damaging"; Align-GVGD: "Class C0"). In summary, the available evidence is currently insufficient to determine the role of this variant in disease. Therefore, it has been classified as a Variant of Uncertain Significance.